The following is an entry in ClinVar:

NM_000388.4(CASR):c.3010del (p.Ser1004fs)

Gene: CASR (calcium sensing receptor; plus strand). Cytogenetic location: 3q21.1.
Variant type: Deletion.
Coding change: c.3010del on transcript NM_000388.4 (MANE Select); coding-DNA position 3010, one base deleted (A; older notation c.3010delA).
Protein change: p.Ser1004fs; shifts the reading frame from serine 1004.
Molecular consequence: frameshift variant.
Genome position (GRCh38, 1-based): chr3:122,284,964, A deleted. VCF-style (leftmost placement, unchanged base first): chr3-122284963-CA-C. GRCh37 (hg19) VCF-style: chr3-122003810-CA-C.
Other names: c.3040del, p.Ser1014fs (NM_001178065.2); short protein forms S1014fs, S1004fs.
Identifiers: ClinVar variation 429831 (VCV000429831.2), dbSNP rs1131691620, ClinGen allele CA645369338.

ClinVar aggregate classification (germline): Pathogenic (1 of 4 stars; one submission).

Submission:

GeneDx
Classification: Pathogenic. Last evaluated: 2015-09-15. Review status: criteria provided, single submitter. Criteria: GeneDx Variant Classification (06012015). Collection method: clinical testing. Allele origin: germline. Affected: yes.
Comment: The c.3010delA deletion in the CASR gene causes a frameshift starting with codon Serine 1004, changes this amino acid to an Alanine residue and creates a premature Stop codon at position 4 of the new reading frame, denoted p.Ser1004AlafsX4. This variant is predicted to cause loss of normal protein function through protein truncation as the last 75 amino acids are replaced with three aberrant amino acids. Although c.3010delA has not been previously reported to our knowledge, it is expected to be a pathogenic variant.